The following is an entry in ClinVar:

NM_172250.3(MMAA):c.440-6C>T

Gene: MMAA (metabolism of cobalamin associated A; plus strand). Cytogenetic location: 4q31.21.
Variant type: single nucleotide variant.
Coding change: c.440-6C>T on transcript NM_172250.3 (MANE Select); 6 bases into the intron before coding-DNA position 440, C replaced by T.
Molecular consequence: intron variant.
Genome position (GRCh38, 1-based): chr4:145,642,357, C>T. VCF-style: chr4-145642357-C-T. GRCh37 (hg19) VCF-style: chr4-146563509-C-T.
Other names: c.440-6C>T (NM_001375644.1).
Identifiers: ClinVar variation 902095 (VCV000902095.14), dbSNP rs374784209, ClinGen allele CA3095180.

ClinVar aggregate classification (germline): Conflicting classifications of pathogenicity. Review status: criteria provided, conflicting classifications (1 of 4 stars). 3 submissions from 3 submitters: Uncertain significance (2); Likely benign (1). Last evaluated 2024-05-15.

Conditions:
Inborn genetic diseases. Identifiers: MedGen C0950123, MeSH D030342.
Methylmalonic aciduria, cblA type (MACA). Also called: Methylmalonic aciduria, vitamin b12-responsive, due to defect in synthesis of adenosylcobalamin, cbla complementation type; MMA cbl A type; Methylmalonic acidemia cblA type; Methylmalonic aciduria, vitamin B12-responsive; Vitamin B12-responsive methylmalonic acidemia type cblA. Identifiers: Orphanet 28, Orphanet 79310, MedGen C1855109, MONDO:0009613, OMIM 251100.

Allele frequency attached by ClinVar (database versions not stated): gnomAD exomes 0.00001 and 0.00002; ExAC 0.00003; ESP Exome Variant Server 0.00008; gnomAD 0.00008 and 0.00009; TOPMed 0.00011.
gnomAD v4.1: 45 of 1,613,598 alleles (0.0028%); highest among the groups gnomAD compares: Middle Eastern, 0.051%; no homozygotes.

Submissions (3):

Labcorp Genetics (formerly Invitae), Labcorp
Classification: Likely benign for Methylmalonic aciduria, cblA type. Last evaluated: 2024-05-15. Review status: criteria provided, single submitter. Criteria: Invitae Variant Classification Sherloc (09022015). Collection method: clinical testing. Allele origin: germline.

Ambry Genetics
Classification: Uncertain significance for Inborn genetic diseases. Last evaluated: 2021-07-16. Review status: criteria provided, single submitter. Criteria: Ambry Variant Classification Scheme 2023. Collection method: clinical testing. Allele origin: germline.
Comment: The c.440-6C>T intronic alteration consists of a C to T substitution 6 nucleotides before coding exon 2 in the MMAA gene. Based on insufficient or conflicting evidence, the clinical significance of this alteration remains unclear.

Illumina Laboratory Services, Illumina
Classification: Uncertain significance for Methylmalonic aciduria, cblA type. Last evaluated: 2018-01-12. Review status: criteria provided, single submitter. Criteria: ICSL Variant Classification Criteria 13 December 2019. Collection method: clinical testing. Allele origin: germline.